The following is an entry in ClinVar:

ClinVar aggregate classification (germline): Uncertain significance. Review status: criteria provided, multiple submitters, no conflicts (2 of 4 stars). 4 submissions from 4 submitters: Uncertain significance (4). Last evaluated 2024-09-17.

Conditions:
Cardiomyopathy (CMYO). Also called: Cardiomyopathies. Identifiers: Orphanet 167848, MedGen C0878544, MONDO:0004994, HP:0001638. Inheritance: Various modes of inheritance.
Hypertrophic cardiomyopathy. Also called: HYPERTROPHIC MYOCARDIOPATHY. Identifiers: Orphanet 217569, MedGen C0007194, MeSH D002312, MONDO:0005045, HP:0001639.
Hypertrophic cardiomyopathy 4. Also called: Familial hypertrophic cardiomyopathy 4. Identifiers: MedGen C1861862, MONDO:0007268, OMIM 115197.

Allele frequency attached by ClinVar (database versions not stated): gnomAD exomes below 0.00001.
gnomAD v4.1: 1 of 1,611,308 alleles (0.000062%); no homozygotes.

Submissions (4):

Labcorp Genetics (formerly Invitae), Labcorp
Classification: Uncertain significance for Hypertrophic cardiomyopathy. Last evaluated: 2024-09-17. Review status: criteria provided, single submitter. Criteria: Invitae Variant Classification Sherloc (09022015). Collection method: clinical testing. Allele origin: germline.
Comment: This sequence change replaces lysine, which is basic and polar, with arginine, which is basic and polar, at codon 814 of the MYBPC3 protein (p.Lys814Arg). This variant is not present in population databases (gnomAD no frequency). This variant has not been reported in the literature in individuals affected with MYBPC3-related conditions. ClinVar contains an entry for this variant (Variation ID: 846002). An algorithm developed to predict the effect of missense changes on protein structure and function outputs the following: PolyPhen-2: "Benign". The arginine amino acid residue is found in multiple mammalian species, which suggests that this missense change does not adversely affect protein function. In summary, the available evidence is currently insufficient to determine the role of this variant in disease. Therefore, it has been classified as a Variant of Uncertain Significance.

Color Diagnostics, LLC DBA Color Health
Classification: Uncertain significance for Cardiomyopathy. Last evaluated: 2024-03-06. Review status: criteria provided, single submitter. Criteria: ACMG Guidelines, 2015. Collection method: clinical testing. Allele origin: germline.
Comment: This missense variant replaces lysine with arginine at codon 814 of the MYBPC3 protein. Computational prediction suggests that this variant may not impact protein structure and function (internally defined REVEL score threshold <= 0.5, PMID: 27666373). To our knowledge, functional studies have not been reported for this variant. This variant has not been reported in individuals affected with MYBPC3-related disorders in the literature. This variant has not been identified in the general population by the Genome Aggregation Database (gnomAD). The available evidence is insufficient to determine the role of this variant in disease conclusively. Therefore, this variant is classified as a Variant of Uncertain Significance.

All of Us Research Program, National Institutes of Health
Classification: Uncertain significance for Hypertrophic cardiomyopathy. Last evaluated: 2024-01-03. Review status: criteria provided, single submitter. Criteria: ACMG Guidelines, 2015. Collection method: clinical testing. Allele origin: germline. Inheritance: Autosomal dominant inheritance. Observed: 3 variant alleles, 3 heterozygotes.
Comment: This missense variant replaces lysine with arginine at codon 814 of the MYBPC3 protein. Computational prediction suggests that this variant may not impact protein structure and function (internally defined REVEL score threshold <= 0.5, PMID: 27666373). To our knowledge, functional studies have not been reported for this variant. This variant has not been reported in individuals affected with cardiovascular disorders in the literature. This variant has not been identified in the general population by the Genome Aggregation Database (gnomAD). The available evidence is insufficient to determine the role of this variant in disease conclusively. Therefore, this variant is classified as a Variant of Uncertain Significance.

This study involves interpretation of variants in research participants for the purpose of population health screening. Participant phenotype was not available at the time of variant classification. Additional details can be found in publication PMID: 35346344, PMCID: PMC8962531

Victorian Clinical Genetics Services, Murdoch Childrens Research Institute
Classification: Uncertain significance for Hypertrophic cardiomyopathy 4. Last evaluated: 2023-07-17. Review status: criteria provided, single submitter. Criteria: ACMG Guidelines, 2015. Collection method: clinical testing. Allele origin: germline. Inheritance: Autosomal dominant inheritance. Affected: yes.
Comment: Based on the classification scheme VCGS_Germline_v1.3.4, this variant is classified as VUS-3B. Following criteria are met: 0102 - Loss of function is a known mechanism of disease in this gene and is associated with hypertrophic cardiomyopathy 4 (HCM; MIM#115197). (I) 0108 - This gene is associated with both recessive and dominant disease. Dominant inheritance is frequently reported in adult onset conditions and recessive inheritance results in a more severe early onset phenotype (OMIM). (I) 0115 - Variants in this gene are known to have variable expressivity (PMID: 32841044). (I) 0200 - Variant is predicted to result in a missense amino acid change from lysine to arginine. (I) 0251 - This variant is heterozygous. (I) 0301 - Variant is absent from gnomAD (both v2 and v3). (SP) 0502 - Missense variant with conflicting in silico predictions and uninformative conservation. (I) 0600 - Variant is located in the annotated fibronectin type III domain (DECIPHER). (I) 0705 - No comparable missense variants have previous evidence for pathogenicity. (I) 0809 - Previous evidence of pathogenicity for this variant is inconclusive. It has been reported as VUS by a clinical testing laboratory (ClinVar). (I) 0905 - No published segregation evidence has been identified for this variant. (I) 1007 - No published functional evidence has been identified for this variant. (I) 1208 - Inheritance information for this variant is not currently available in this individual. (I) Legend: (SP) - Supporting pathogenic, (I) - Information, (SB) - Supporting benign

Literature cited by the submitters: PubMed 32841044 (cited by Victorian Clinical Genetics Services, Murdoch Childrens Research Institute).

NM_000256.3(MYBPC3):c.2441A>G (p.Lys814Arg)

Gene: MYBPC3 (myosin binding protein C3; minus strand). Cytogenetic location: 11p11.2.
Variant type: single nucleotide variant.
Coding change: c.2441A>G on transcript NM_000256.3 (MANE Select); coding-DNA position 2441, A replaced by G.
Protein change: p.Lys814Arg; replaces lysine 814 with arginine.
Molecular consequence: missense variant.
Genome position (GRCh38, 1-based): chr11:47,337,552, T>C on the plus strand (A>G on the coding strand, the complement: MYBPC3 is on the minus strand). VCF-style: chr11-47337552-T-C. GRCh37 (hg19) VCF-style: chr11-47359103-T-C.
Other names: short protein forms K814R.
Identifiers: ClinVar variation 846002 (VCV000846002.13), dbSNP rs1565625356, ClinGen allele CA380318439.
Genomic context (GRCh38, chr11:47,337,552, plus strand): 5'-CGCGCTTCATGACTCAGCTCCTGAATCAGGTCGAAGTTCAGCCGCATCCACCGGTAGCTC[T>C]TCTTCTTCTTGCGCTCCAGGATGTAGCCTGGCTCAGGGGAGGTGGCAGCTCTGGTCTGGA-3'
Protein context (NP_000247.2, residues 804-824): LGYILERKKK[Lys814Arg]SYRWMRLNFD